The following is an entry in ClinVar:

ClinVar aggregate classification (germline): Uncertain significance (1 of 4 stars; one submission).

Conditions:
Diamond-Blackfan anemia 17 (DBA17). Identifiers: MedGen C4479428, MONDO:0044310, OMIM 617409.

Submission:

Juno Genomics, Hangzhou Juno Genomics, Inc
Classification: Uncertain significance for Diamond-Blackfan anemia 17. Review status: criteria provided, single submitter. Criteria: ACMG Guidelines, 2015. Collection method: clinical testing. Allele origin: germline.
Comment: Absent from controls (or at extremely low frequency if recessive) in Genome Aggregation Database.

NM_001030.6(RPS27):c.11del (p.Ala4fs)

Genes: RPS27 (ribosomal protein S27; plus strand), LOC126805872 (BRD4-independent group 4 enhancer GRCh37_chr1:153962963-153964162; plus strand). Cytogenetic location: 1q21.3.
Variant type: Deletion.
Coding change: c.11del on transcript NM_001030.6 (MANE Select); coding-DNA position 11, one base deleted (C; older notation c.11delC).
Protein change: p.Ala4fs; shifts the reading frame from alanine 4.
Molecular consequence: frameshift variant. On other transcripts: 5 prime UTR variant (2).
Genome position (GRCh38, 1-based): chr1:153,991,119, C deleted. VCF-style (leftmost placement, unchanged base first): chr1-153991118-GC-G. GRCh37 (hg19) VCF-style: chr1-153963594-GC-G.
Other names: c.-86del (NM_001349946.2, NM_001349947.2); short protein forms A4fs.
Identifiers: ClinVar variation 5007783 (VCV005007783.2).